The following is an entry in ClinVar:

ClinVar aggregate classification (germline): Uncertain significance (1 of 4 stars; one submission).

Submission:

GeneDx
Classification: Uncertain significance. Last evaluated: 2024-07-24. Review status: criteria provided, single submitter. Criteria: GeneDx Variant Classification Process June 2021. Collection method: clinical testing. Allele origin: germline. Affected: yes.
Comment: Not observed at significant frequency in large population cohorts (gnomAD); In silico analysis supports that this missense variant has a deleterious effect on protein structure/function; Has not been previously published as pathogenic or benign to our knowledge

NM_012463.4(ATP6V0A2):c.743A>G (p.His248Arg)

Gene: ATP6V0A2 (ATPase H+ transporting V0 subunit a2; plus strand). Cytogenetic location: 12q24.31.
Variant type: single nucleotide variant.
Coding change: c.743A>G on transcript NM_012463.4 (MANE Select); coding-DNA position 743, A replaced by G.
Protein change: p.His248Arg; replaces histidine 248 with arginine.
Molecular consequence: missense variant.
Genome position (GRCh38, 1-based): chr12:123,735,542, A>G. VCF-style: chr12-123735542-A-G. GRCh37 (hg19) VCF-style: chr12-124220089-A-G.
Other names: short protein forms H248R.
Identifiers: ClinVar variation 3600911 (VCV003600911.1).